The following is an entry in ClinVar:

NM_014780.5(CUL7):c.2885G>A (p.Arg962Gln)

Gene: CUL7 (cullin 7; minus strand). Cytogenetic location: 6p21.1.
Variant type: single nucleotide variant.
Coding change: c.2885G>A on transcript NM_014780.5 (MANE Select); coding-DNA position 2885, G replaced by A.
Protein change: p.Arg962Gln; replaces arginine 962 with glutamine.
Molecular consequence: missense variant.
Genome position (GRCh38, 1-based): chr6:43,045,380, C>T on the plus strand (G>A on the coding strand, the complement: CUL7 is on the minus strand). VCF-style: chr6-43045380-C-T. GRCh37 (hg19) VCF-style: chr6-43013118-C-T.
Other names: c.2981G>A, p.Arg994Gln (NM_001168370.2, NM_001374872.1); c.2885G>A, p.Arg962Gln (NM_001374873.1, NM_001374874.1); short protein forms R962Q, R994Q.
Identifiers: ClinVar variation 194538 (VCV000194538.15), dbSNP rs761386869, ClinGen allele CA240557.

ClinVar aggregate classification (germline): Uncertain significance. Review status: criteria provided, multiple submitters, no conflicts (2 of 4 stars). 3 submissions from 3 submitters: Uncertain significance (3). Last evaluated 2022-07-19.

Conditions:
3M syndrome 1. Also called: 3-M Syndrome, CUL7-Related. Identifiers: Orphanet 2616, MedGen C2678312, MONDO:0010117, OMIM 273750.

Allele frequency attached by ClinVar (database versions not stated): gnomAD 0.00003 and 0.00004; TOPMed 0.00003.
gnomAD v4.1: 77 of 1,614,094 alleles (0.0048%); highest among the groups gnomAD compares: Non-Finnish European, 0.0061%; no homozygotes.

Submissions (3):

Labcorp Genetics (formerly Invitae), Labcorp
Classification: Uncertain significance. Last evaluated: 2022-07-19. Review status: criteria provided, single submitter. Criteria: Invitae Variant Classification Sherloc (09022015). Collection method: clinical testing. Allele origin: germline.
Comment: This variant is present in population databases (rs761386869, gnomAD 0.007%). In summary, the available evidence is currently insufficient to determine the role of this variant in disease. Therefore, it has been classified as a Variant of Uncertain Significance. Algorithms developed to predict the effect of sequence changes on RNA splicing suggest that this variant may disrupt the consensus splice site. Algorithms developed to predict the effect of missense changes on protein structure and function are either unavailable or do not agree on the potential impact of this missense change (SIFT: "Deleterious"; PolyPhen-2: "Probably Damaging"; Align-GVGD: "Class C0"). ClinVar contains an entry for this variant (Variation ID: 194538). This variant has not been reported in the literature in individuals affected with CUL7-related conditions. This sequence change replaces arginine, which is basic and polar, with glutamine, which is neutral and polar, at codon 962 of the CUL7 protein (p.Arg962Gln).

Illumina Laboratory Services, Illumina
Classification: Uncertain significance for 3M syndrome 1. Last evaluated: 2018-01-12. Review status: criteria provided, single submitter. Criteria: ICSL Variant Classification Criteria 13 December 2019. Collection method: clinical testing. Allele origin: germline.

Eurofins Ntd Llc (ga)
Classification: Uncertain significance. Last evaluated: 2015-02-16. Review status: criteria provided, single submitter. Criteria: EGL Classification Definitions 2015. Collection method: clinical testing. Allele origin: germline. Observed: 1 variant allele, 1 heterozygote.